The following is an entry in ClinVar:

ClinVar aggregate classification (germline): Pathogenic (1 of 4 stars; one submission).

Submission:

GeneDx
Classification: Pathogenic. Last evaluated: 2018-06-26. Review status: criteria provided, single submitter. Criteria: GeneDx Variant Classification (06012015). Collection method: clinical testing. Allele origin: germline. Affected: yes.
Comment: A pathogenic variant has been identified in the AHDC1 gene. The c.621dupT variant has not been reported previously as a pathogenic variant nor as a benign variant, to our knowledge. The c.621dupT variant causes a frameshift starting with codon Proline 208, changes this amino acid to a Serine residue, and creates a premature Stop codon at position 8 of the new reading frame, denoted p.Pro208SerfsX8. This frameshift variant is predicted to result in protein truncation, as the last 1396 amino acids are lost and replaced with 7 incorrect amino acids. The c.621dupT variant is not observed in large population cohorts (Lek et al., 2016).

NM_001371928.1(AHDC1):c.621dup (p.Pro208fs)

Gene: AHDC1 (AT-hook DNA binding motif containing 1; minus strand). Cytogenetic location: 1p36.11.
Variant type: Duplication.
Coding change: c.621dup on transcript NM_001371928.1 (MANE Select); coding-DNA position 621, one base duplicated (T; older notation c.621dupT).
Protein change: p.Pro208fs; shifts the reading frame from proline 208.
Molecular consequence: frameshift variant.
Genome position (GRCh38, 1-based): chr1:27,551,495, A duplicated on the plus strand (T on the coding strand, the reverse complement: AHDC1 is on the minus strand). VCF-style (leftmost placement, unchanged base first): chr1-27551494-G-GA. GRCh37 (hg19) VCF-style: chr1-27878005-G-GA.
Other names: c.621dup, p.Pro208fs (NM_001029882.3); short protein forms P208fs.
Identifiers: ClinVar variation 817130 (VCV000817130.1), dbSNP rs1571244033, ClinGen allele CA915941193.
Genomic context (GRCh38, chr1:27,551,494, plus strand): 5'-CTGGGGGCAGACCCGTGGCCGCAGCCGTGGCTCCGGGACTATGGCCTTGGCCAGGCTGGG[G>GA]ACTGTCCCTAGGCTCAGGCTCAGGCTCGTAGAGGGGATGGCTGGGCCGCTCCGACTTGGC-3'